The following is an entry in ClinVar:

NC_000006.11:g.(?_5109657)_(6320826_?)del

Genes: F13A1 (coagulation factor XIII A chain; minus strand), FARS2 (phenylalanyl-tRNA synthetase 2, mitochondrial; plus strand), LYRM4 (LYR motif containing 4; minus strand), NRN1 (neuritin 1; minus strand). Cytogenetic location: 6p25.1.
Variant type: Deletion.
Identifiers: ClinVar variation 2425612 (VCV002425612.3).

ClinVar aggregate classification (germline): Pathogenic (1 of 4 stars; one submission).

Conditions:
Combined oxidative phosphorylation defect type 14. Also called: Combined oxidative phosphorylation deficiency 14. Identifiers: Orphanet 319519, MedGen C4755312, MONDO:0013986, OMIM 614946.

Submission:

Labcorp Genetics (formerly Invitae), Labcorp
Classification: Pathogenic for Combined oxidative phosphorylation defect type 14. Last evaluated: 2022-07-23. Review status: criteria provided, single submitter. Criteria: Invitae Variant Classification Sherloc (09022015). Collection method: clinical testing. Allele origin: germline.
Comment: A gross deletion of the genomic region encompassing the full coding sequence of the FARS2 gene has been identified. Loss-of-function variants in FARS2 are known to be pathogenic (PMID: 22833457). The boundaries of this event are unknown as they extend beyond the assayed region for this gene and therefore may encompass additional genes. This variant has not been reported in the literature in individuals affected with FARS2-related conditions. For these reasons, this variant has been classified as Pathogenic.

Literature cited by the submitters: PubMed 22833457.